The following is an entry in ClinVar:

ClinVar aggregate classification (germline): Uncertain significance (1 of 4 stars; one submission).

Conditions:
Developmental and epileptic encephalopathy, 37 (DEE37). Also called: Epileptic encephalopathy, early infantile, 37. Identifiers: MedGen C4310770, MONDO:0014859, OMIM 616981.

Submission:

Labcorp Genetics (formerly Invitae), Labcorp
Classification: Uncertain significance for Developmental and epileptic encephalopathy, 37. Last evaluated: 2020-03-03. Review status: criteria provided, single submitter. Criteria: Invitae Variant Classification Sherloc (09022015). Collection method: clinical testing. Allele origin: germline.
Comment: This sequence change replaces arginine with leucine at codon 252 of the FRRS1L protein (p.Arg252Leu). The arginine residue is highly conserved and there is a moderate physicochemical difference between arginine and leucine. In summary, the available evidence is currently insufficient to determine the role of this variant in disease. Therefore, it has been classified as a Variant of Uncertain Significance. Algorithms developed to predict the effect of missense changes on protein structure and function are either unavailable or do not agree on the potential impact of this missense change (SIFT: "Tolerated"; PolyPhen-2: "Probably Damaging"; Align-GVGD: "Class C0"). This variant has not been reported in the literature in individuals with FRRS1L-related conditions. This variant is not present in population databases (ExAC no frequency).

NM_014334.4(FRRS1L):c.602G>T (p.Arg201Leu)

Gene: FRRS1L (ferric chelate reductase 1 like; minus strand). Cytogenetic location: 9q31.3.
Variant type: single nucleotide variant.
Coding change: c.602G>T on transcript NM_014334.4 (MANE Select); coding-DNA position 602, G replaced by T.
Protein change: p.Arg201Leu; replaces arginine 201 with leucine.
Molecular consequence: missense variant.
Genome position (GRCh38, 1-based): chr9:109,141,450, C>A on the plus strand (G>T on the coding strand, the complement: FRRS1L is on the minus strand). VCF-style: chr9-109141450-C-A. GRCh37 (hg19) VCF-style: chr9-111903730-C-A.
Other names: short protein forms R201L.
Identifiers: ClinVar variation 839153 (VCV000839153.10), dbSNP rs574642289, ClinGen allele CA374424152.